The following is an entry in ClinVar:

ClinVar aggregate classification (germline): Benign/Likely benign. Review status: criteria provided, multiple submitters, no conflicts (2 of 4 stars). 2 submissions from 2 submitters: Benign (1); Likely benign (1). Last evaluated 2025-03-28.

Conditions:
Hereditary cancer-predisposing syndrome. Also called: Hereditary neoplastic syndrome; Tumor predisposition; Neoplastic Syndromes, Hereditary; Hereditary Cancer Syndrome. Identifiers: Orphanet 140162, MedGen C0027672, MeSH D009386, MONDO:0015356.
Peutz-Jeghers syndrome (PJS). Also called: Peutz-Jeghers polyposis; Periorificial lentiginosis syndrome; POLYPOSIS, HAMARTOMATOUS INTESTINAL; POLYPS-AND-SPOTS SYNDROME. Identifiers: Orphanet 2869, MedGen C0031269, MeSH D010580, MONDO:0008280, OMIM 175200.

Submissions (2):

Myriad Genetics, Inc.
Classification: Benign for Peutz-Jeghers syndrome. Last evaluated: 2025-03-28. Review status: criteria provided, single submitter. Criteria: Myriad Autosomal Dominant, Autosomal Recessive and X-Linked Classification Criteria (2023). Collection method: clinical testing. Allele origin: unknown.
Comment: This variant is considered benign. This variant is a silent/synonymous amino acid change and it is not expected to impact splicing.

Ambry Genetics
Classification: Likely benign for Hereditary cancer-predisposing syndrome. Last evaluated: 2016-09-15. Review status: criteria provided, single submitter. Criteria: Ambry Variant Classification Scheme 2023. Collection method: clinical testing. Allele origin: germline.

NM_000455.5(STK11):c.1104G>A (p.Val368=)

Genes: STK11 (serine/threonine kinase 11; plus strand), LOC130062899 (ATAC-STARR-seq lymphoblastoid active region 13597; plus strand). Cytogenetic location: 19p13.3.
Variant type: single nucleotide variant.
Coding change: c.1104G>A on transcript NM_000455.5 (MANE Select); coding-DNA position 1104, G replaced by A.
Protein change: p.Val368=; no amino-acid change (valine 368 retained).
Molecular consequence: synonymous variant.
Genome position (GRCh38, 1-based): chr19:1,223,168, G>A. VCF-style: chr19-1223168-G-A. GRCh37 (hg19) VCF-style: chr19-1223167-G-A.
Identifiers: ClinVar variation 428773 (VCV000428773.6), dbSNP rs1131690937, ClinGen allele CA504707805.